The following is an entry in ClinVar:

ClinVar aggregate classification (germline): Likely benign. Review status: criteria provided, multiple submitters, no conflicts (2 of 4 stars). 2 submissions from 2 submitters: Likely benign (2). Last evaluated 2025-09-18.

Conditions:
SGCB-related disorder. Also called: SGCB-related condition.
Autosomal recessive limb-girdle muscular dystrophy type 2E (LGMDR4). Also called: MUSCULAR DYSTROPHY, LIMB-GIRDLE, AUTOSOMAL RECESSIVE 4. Identifiers: Orphanet 119, MedGen C1858593, MONDO:0011423, OMIM 604286. Disease mechanism: Affects gamma-sarcoglycan and also disrupts the integrity of the entire sarcoglycan complex..

Submissions (2):

PreventionGenetics, part of Exact Sciences
Classification: Likely benign for SGCB-related condition. Last evaluated: 2025-09-18. Review status: criteria provided, single submitter. Criteria: ACMG Guidelines, 2015. Collection method: clinical testing. Allele origin: germline.
Comment: This variant is classified as likely benign based on ACMG/AMP sequence variant interpretation guidelines (Richards et al. 2015 PMID: 25741868, with internal and published modifications).

Labcorp Genetics (formerly Invitae), Labcorp
Classification: Likely benign for Autosomal recessive limb-girdle muscular dystrophy type 2E. Last evaluated: 2019-07-01. Review status: criteria provided, single submitter. Criteria: Invitae Variant Classification Sherloc (09022015). Collection method: clinical testing. Allele origin: germline.

NM_000232.5(SGCB):c.267G>A (p.Val89=)

Gene: SGCB (sarcoglycan beta; minus strand). Cytogenetic location: 4q12.
Variant type: single nucleotide variant.
Coding change: c.267G>A on transcript NM_000232.5 (MANE Select); coding-DNA position 267, G replaced by A.
Protein change: p.Val89=; no amino-acid change (valine 89 retained).
Molecular consequence: synonymous variant.
Genome position (GRCh38, 1-based): chr4:52,029,840, C>T on the plus strand (G>A on the coding strand, the complement: SGCB is on the minus strand). VCF-style: chr4-52029840-C-T. GRCh37 (hg19) VCF-style: chr4-52896006-C-T.
Other names: c.267G>A (NM_000232.4).
Identifiers: ClinVar variation 1104060 (VCV001104060.10), dbSNP rs2109372042, ClinGen allele CA439274425.